The following is an entry in ClinVar:

ClinVar aggregate classification (germline): Uncertain significance (1 of 4 stars; one submission).

Conditions:
Hereditary cancer-predisposing syndrome. Also called: Hereditary Cancer Syndrome; Neoplastic Syndromes, Hereditary; Tumor predisposition; Hereditary neoplastic syndrome. Identifiers: Orphanet 140162, MedGen C0027672, MeSH D009386, MONDO:0015356.

Submission:

Ambry Genetics
Classification: Uncertain significance for Hereditary cancer-predisposing syndrome. Last evaluated: 2016-11-11. Review status: criteria provided, single submitter. Criteria: Ambry Variant Classification Scheme 2023. Collection method: clinical testing. Allele origin: germline.
Comment: The p.L362H variant (also known as c.1085T>A), located in coding exon 9 of the MRE11A gene, results from a T to A substitution at nucleotide position 1085. The leucine at codon 362 is replaced by histidine, an amino acid with similar properties. This variant was not reported in population based cohorts in the following databases: Database of Single Nucleotide Polymorphisms (dbSNP), NHLBI Exome Sequencing Project (ESP), and 1000 Genomes Project. In the ESP, this variant was not observed in 6499 samples (12998 alleles) with coverage at this position. To date, this alteration has been detected with an allele frequency of approximately 0.001% (greater than 175000 alleles tested) in our clinical cohort. This amino acid position is highly conserved in available vertebrate species. In addition, this alteration is predicted to be deleterious by in silico analysis. Since supporting evidence is limited at this time, the clinical significance of this alteration remains unclear.

NM_005591.4(MRE11):c.1085T>A (p.Leu362His)

Gene: MRE11 (MRE11 double strand break repair nuclease; minus strand). Cytogenetic location: 11q21.
Variant type: single nucleotide variant.
Coding change: c.1085T>A on transcript NM_005591.4 (MANE Select); coding-DNA position 1085, T replaced by A.
Protein change: p.Leu362His; replaces leucine 362 with histidine.
Molecular consequence: missense variant.
Genome position (GRCh38, 1-based): chr11:94,467,826, A>T on the plus strand (T>A on the coding strand, the complement: MRE11 is on the minus strand). VCF-style: chr11-94467826-A-T. GRCh37 (hg19) VCF-style: chr11-94200992-A-T.
Other names: c.1085T>A, p.Leu362His (NM_001330347.2, NM_005590.4); short protein forms L362H.
Identifiers: ClinVar variation 479767 (VCV000479767.5), dbSNP rs1555012018, ClinGen allele CA382373668.
Genomic context (GRCh38, chr11:94,467,826, plus strand): 5'-TATGCTTTGAAAATTAATAATATTCAATCTATATAAATAGGACTTACTCGCAGTCGTACA[A>T]GAGGCTTCTCTGGCTGGTGAGAATTACCCAGACGTTCCCGTTCAGCATTTTCAAGCATTT-3'
Protein context (NP_005582.1, residues 352-372): LGNSHQPEKP[Leu362His]VRLRVDYSGG